The following is an entry in ClinVar:

NM_033453.4(ITPA):c.479A>T (p.Tyr160Phe)

Gene: ITPA (inosine triphosphatase; plus strand). Cytogenetic location: 20p13.
Variant type: single nucleotide variant.
Coding change: c.479A>T on transcript NM_033453.4 (MANE Select); coding-DNA position 479, A replaced by T.
Protein change: p.Tyr160Phe; replaces tyrosine 160 with phenylalanine.
Molecular consequence: missense variant. On other transcripts: non-coding transcript variant (2), intron variant (1).
Genome position (GRCh38, 1-based): chr20:3,221,908, A>T. VCF-style: chr20-3221908-A-T. GRCh37 (hg19) VCF-style: chr20-3202554-A-T.
Other names: c.356A>T, p.Tyr119Phe (NM_001267623.2); c.142A>T, p.Met48Leu (NM_001324236.2, NM_001324237.2, NM_001324238.2 and 1 more transcripts); c.428A>T, p.Tyr143Phe (NM_181493.4); c.411+3276A>T (NM_001324240.2); short protein forms M48L, Y119F, Y143F, Y160F.
Identifiers: ClinVar variation 1025873 (VCV001025873.9), dbSNP rs1416544923, ClinGen allele CA408081018.

ClinVar aggregate classification (germline): Uncertain significance (1 of 4 stars; one submission).

Conditions:
Inosine triphosphatase deficiency. Also called: INOSINE TRIPHOSPHATE PYROPHOSPHOHYDROLASE DEFICIENCY. Identifiers: MedGen C0342800, MONDO:0013461, OMIM 613850.

Submission:

Labcorp Genetics (formerly Invitae), Labcorp
Classification: Uncertain significance for Inosine triphosphatase deficiency. Last evaluated: 2020-04-17. Review status: criteria provided, single submitter. Criteria: Invitae Variant Classification Sherloc (09022015). Collection method: clinical testing. Allele origin: germline.
Comment: This sequence change replaces tyrosine with phenylalanine at codon 160 of the ITPA protein (p.Tyr160Phe). The tyrosine residue is highly conserved and there is a small physicochemical difference between tyrosine and phenylalanine. This variant is not present in population databases (ExAC no frequency). This variant has not been reported in the literature in individuals with ITPA-related conditions. Algorithms developed to predict the effect of missense changes on protein structure and function (SIFT, PolyPhen-2, Align-GVGD) all suggest that this variant is likely to be tolerated, but these predictions have not been confirmed by published functional studies and their clinical significance is uncertain. In summary, the available evidence is currently insufficient to determine the role of this variant in disease. Therefore, it has been classified as a Variant of Uncertain Significance.